The following is an entry in ClinVar:

NM_001130987.2(DYSF):c.1840G>T (p.Ala614Ser)

Gene: DYSF (dysferlin; plus strand). Cytogenetic location: 2p13.2.
Variant type: single nucleotide variant.
Coding change: c.1840G>T on transcript NM_001130987.2 (MANE Select); coding-DNA position 1840, G replaced by T.
Protein change: p.Ala614Ser; replaces alanine 614 with serine.
Molecular consequence: missense variant.
Genome position (GRCh38, 1-based): chr2:71,553,044, G>T. VCF-style: chr2-71553044-G-T. GRCh37 (hg19) VCF-style: chr2-71780174-G-T.
Other names: c.1789G>T, p.Ala597Ser (NM_001130455.2, NM_001130983.2); c.1744G>T, p.Ala582Ser (NM_001130976.2, NM_001130977.2); c.1786G>T, p.Ala596Ser (NM_001130978.2, NM_003494.4); c.1879G>T, p.Ala627Ser (NM_001130979.2); c.1837G>T, p.Ala613Ser (NM_001130980.2, NM_001130981.2); c.1882G>T, p.Ala628Ser (NM_001130982.2); c.1747G>T, p.Ala583Ser (NM_001130984.2, NM_001130986.2); c.1840G>T, p.Ala614Ser (NM_001130985.2); short protein forms A583S, A628S, A582S, A597S, A596S, A613S, A614S, A627S.
Identifiers: ClinVar variation 1460794 (VCV001460794.4), dbSNP rs998546221, ClinGen allele CA49794975.

ClinVar aggregate classification (germline): Uncertain significance. Review status: criteria provided, multiple submitters, no conflicts (2 of 4 stars). 2 submissions from 2 submitters: Uncertain significance (2). Last evaluated 2024-05-16.

Conditions:
Neuromuscular disease caused by qualitative or quantitative defects of dysferlin. Also called: Dysferlinopathy; Qualitative or quantitative defects of dysferlin. Identifiers: Orphanet 207073, MedGen C2931687, MONDO:0016145.

Allele frequency attached by ClinVar (database versions not stated): gnomAD exomes below 0.00001.
gnomAD v4.1: 1 of 1,614,152 alleles (0.000062%); highest among the groups gnomAD compares: Non-Finnish European, 0.000085%; no homozygotes.

Submissions (2):

Blueprint Genetics
Classification: Uncertain significance. Last evaluated: 2024-05-16. Review status: criteria provided, single submitter. Criteria: ACMG Guidelines, 2015. Collection method: clinical testing. Allele origin: germline.

Labcorp Genetics (formerly Invitae), Labcorp
Classification: Uncertain significance for Neuromuscular disease caused by qualitative or quantitative defects of dysferlin. Last evaluated: 2022-07-19. Review status: criteria provided, single submitter. Criteria: Invitae Variant Classification Sherloc (09022015). Collection method: clinical testing. Allele origin: germline.
Comment: This sequence change replaces alanine, which is neutral and non-polar, with serine, which is neutral and polar, at codon 596 of the DYSF protein (p.Ala596Ser). This variant is not present in population databases (gnomAD no frequency). This variant has not been reported in the literature in individuals affected with DYSF-related conditions. ClinVar contains an entry for this variant (Variation ID: 1460794). Advanced modeling of protein sequence and biophysical properties (such as structural, functional, and spatial information, amino acid conservation, physicochemical variation, residue mobility, and thermodynamic stability) performed at Invitae indicates that this missense variant is not expected to disrupt DYSF protein function. Algorithms developed to predict the effect of sequence changes on RNA splicing suggest that this variant may create or strengthen a splice site. In summary, the available evidence is currently insufficient to determine the role of this variant in disease. Therefore, it has been classified as a Variant of Uncertain Significance.